The following is an entry in ClinVar:

ClinVar aggregate classification (germline): Uncertain significance (1 of 4 stars; one submission).

Conditions:
Aortic aneurysm, familial thoracic 4 (AAT4). Also called: AORTIC ANEURYSM/AORTIC DISSECTION AND PATENT DUCTUS ARTERIOSUS. Identifiers: MedGen C1851504, MONDO:0007568, OMIM 132900.

Submission:

Labcorp Genetics (formerly Invitae), Labcorp
Classification: Uncertain significance for Aortic aneurysm, familial thoracic 4. Last evaluated: 2025-10-22. Review status: criteria provided, single submitter. Criteria: Invitae Variant Classification Sherloc (09022015). Collection method: clinical testing. Allele origin: germline.
Comment: This sequence change replaces serine, which is neutral and polar, with cysteine, which is neutral and slightly polar, at codon 1494 of the MYH11 protein (p.Ser1494Cys). This variant is not present in population databases (gnomAD no frequency). This variant has not been reported in the literature in individuals affected with MYH11-related conditions. ClinVar contains an entry for this variant (Variation ID: 651096). Invitae Evidence Modeling of protein sequence and biophysical properties (such as structural, functional, and spatial information, amino acid conservation, physicochemical variation, residue mobility, and thermodynamic stability) indicates that this missense variant is not expected to disrupt MYH11 protein function with a negative predictive value of 95%. In summary, the available evidence is currently insufficient to determine the role of this variant in disease. Therefore, it has been classified as a Variant of Uncertain Significance.

NM_002474.3(MYH11):c.4460C>G (p.Ser1487Cys)

Genes: MYH11 (myosin heavy chain 11; minus strand), NDE1 (nudE neurodevelopment protein 1; plus strand). Cytogenetic location: 16p13.11.
Variant type: single nucleotide variant.
Coding change: c.4460C>G on transcript NM_002474.3 (MANE Select); coding-DNA position 4460, C replaced by G.
Protein change: p.Ser1487Cys; replaces serine 1487 with cysteine.
Molecular consequence: missense variant. On other transcripts: intron variant (2).
Genome position (GRCh38, 1-based): chr16:15,721,540, G>C on the plus strand (C>G on the coding strand, the complement: MYH11 is on the minus strand). VCF-style: chr16-15721540-G-C. GRCh37 (hg19) VCF-style: chr16-15815397-G-C.
Other names: c.4481C>G, p.Ser1494Cys (NM_001040113.2, NM_001040114.2); c.4460C>G, p.Ser1487Cys (NM_022844.3); c.948-2651G>C (NM_001143979.2, NM_017668.3); short protein forms S1494C, S1487C.
Identifiers: ClinVar variation 651096 (VCV000651096.8), dbSNP rs1596721430, ClinGen allele CA394855268.